The following is an entry in ClinVar:

NM_001369268.1(ACAN):c.1448G>A (p.Arg483His)

Gene: ACAN (aggrecan; plus strand). Cytogenetic location: 15q26.1.
Variant type: single nucleotide variant.
Coding change: c.1448G>A on transcript NM_001369268.1 (MANE Select); coding-DNA position 1448, G replaced by A.
Protein change: p.Arg483His; replaces arginine 483 with histidine.
Molecular consequence: missense variant.
Genome position (GRCh38, 1-based): chr15:88,847,261, G>A. VCF-style: chr15-88847261-G-A. GRCh37 (hg19) VCF-style: chr15-89390492-G-A.
Other names: c.1448G>A, p.Arg483His (NM_001135.4, NM_013227.4); short protein forms R483H.
Identifiers: ClinVar variation 497261 (VCV000497261.15), dbSNP rs200950723, ClinGen allele CA7719560.

ClinVar aggregate classification (germline): Conflicting classifications of pathogenicity. Review status: criteria provided, conflicting classifications (1 of 4 stars). 4 submissions from 4 submitters: Uncertain significance (3); Likely benign (1). Last evaluated 2025-12-18.

Allele frequency attached by ClinVar (database versions not stated): ExAC 0.00025; gnomAD exomes 0.00029 and 0.00062; gnomAD 0.00055 and 0.00060; TOPMed 0.00063; ESP Exome Variant Server 0.00066.
gnomAD v4.1: 945 of 1,557,180 alleles (0.061%); highest among the groups gnomAD compares: African/African-American, 0.075%; 1 homozygote.

Submissions (4):

Labcorp Genetics (formerly Invitae), Labcorp
Classification: Likely benign. Last evaluated: 2025-12-18. Review status: criteria provided, single submitter. Criteria: Invitae Variant Classification Sherloc (09022015). Collection method: clinical testing. Allele origin: germline.

Women's Health and Genetics/Laboratory Corporation of America, LabCorp
Classification: Uncertain significance. Last evaluated: 2025-01-14. Review status: criteria provided, single submitter. Criteria: LabCorp Variant Classification Summary - May 2015. Collection method: clinical testing. Allele origin: germline.
Comment: Variant summary: ACAN c.1448G>A (p.Arg483His) results in a non-conservative amino acid change in the encoded protein sequence. Four of five in-silico tools predict a damaging effect of the variant on protein function. The variant allele was found at a frequency of 0.00029 in 167154 control chromosomes. This frequency is not significantly higher than estimated for a pathogenic variant in ACAN causing ACAN-Related Disorders, allowing no conclusion about variant significance. To our knowledge, no occurrence of c.1448G>A in individuals affected with ACAN-Related Disorders and no experimental evidence demonstrating its impact on protein function have been reported. ClinVar contains an entry for this variant (Variation ID: 497261). Based on the evidence outlined above, the variant was classified as uncertain significance.

Blueprint Genetics
Classification: Uncertain significance. Last evaluated: 2024-11-25. Review status: criteria provided, single submitter. Criteria: ACMG Guidelines, 2015. Collection method: clinical testing. Allele origin: germline.

Eurofins Ntd Llc (ga)
Classification: Uncertain significance. Last evaluated: 2016-09-29. Review status: criteria provided, single submitter. Criteria: EGL Classification Definitions 2015. Collection method: clinical testing. Allele origin: germline. Observed: 1 variant allele, 1 heterozygote.